The following is an entry in ClinVar:

NM_000059.4(BRCA2):c.6830T>G (p.Leu2277Arg)

Gene: BRCA2 (BRCA2 DNA repair associated; plus strand). Cytogenetic location: 13q13.1.
Variant type: single nucleotide variant.
Coding change: c.6830T>G on transcript NM_000059.4 (MANE Select); coding-DNA position 6830, T replaced by G.
Protein change: p.Leu2277Arg; replaces leucine 2277 with arginine.
Molecular consequence: missense variant.
Genome position (GRCh38, 1-based): chr13:32,341,185, T>G. VCF-style: chr13-32341185-T-G. GRCh37 (hg19) VCF-style: chr13-32915322-T-G.
Other names: c.6830T>G, p.Leu2277Arg (NM_001406719.1, NM_001406720.1); short protein forms L2277R.
Identifiers: ClinVar variation 1755688 (VCV001755688.4), dbSNP rs1043681551, ClinGen allele CA247514714.

ClinVar aggregate classification (germline): Conflicting classifications of pathogenicity. Review status: criteria provided, conflicting classifications (1 of 4 stars). 2 submissions from 2 submitters: Uncertain significance (1); Likely benign (1). Last evaluated 2023-03-23.

Conditions:
Hereditary cancer-predisposing syndrome. Also called: Neoplastic Syndromes, Hereditary; Tumor predisposition; Hereditary Cancer Syndrome; Hereditary neoplastic syndrome. Identifiers: Orphanet 140162, MedGen C0027672, MeSH D009386, MONDO:0015356.

Allele frequency attached by ClinVar (database versions not stated): TOPMed below 0.00001.

Submissions (2):

University of Washington Department of Laboratory Medicine, University of Washington
Classification: Likely benign for Hereditary cancer-predisposing syndrome. Last evaluated: 2023-03-23. Review status: criteria provided, single submitter. Criteria: Dines et al. (Genet Med. 2020). Collection method: curation. Allele origin: germline.
Comment: Missense variant in a coldspot region where missense variants are very unlikely to be pathogenic (PMID:31911673).

BRCA2 exon 11 coldspot. Reclassification based on statistical prior probability.

Ambry Genetics
Classification: Uncertain significance for Hereditary cancer-predisposing syndrome. Last evaluated: 2021-12-11. Review status: criteria provided, single submitter. Criteria: Ambry Variant Classification Scheme 2023. Collection method: clinical testing. Allele origin: germline.
Comment: The p.L2277R variant (also known as c.6830T>G), located in coding exon 10 of the BRCA2 gene, results from a T to G substitution at nucleotide position 6830. The leucine at codon 2277 is replaced by arginine, an amino acid with dissimilar properties. This amino acid position is conserved. In addition, the in silico prediction for this alteration is inconclusive. Since supporting evidence is limited at this time, the clinical significance of this alteration remains unclear.